The following is an entry in ClinVar:

NM_001382567.1(STIM1):c.1069G>T (p.Val357Leu)

Gene: STIM1 (stromal interaction molecule 1; plus strand). Cytogenetic location: 11p15.4.
Variant type: single nucleotide variant.
Coding change: c.1069G>T on transcript NM_001382567.1 (MANE Select); coding-DNA position 1069, G replaced by T.
Protein change: p.Val357Leu; replaces valine 357 with leucine.
Molecular consequence: missense variant. On other transcripts: non-coding transcript variant (2).
Genome position (GRCh38, 1-based): chr11:4,082,283, G>T. VCF-style: chr11-4082283-G-T. GRCh37 (hg19) VCF-style: chr11-4103513-G-T.
Other names: c.1069G>T, p.Val357Leu (NM_001277961.3, NM_001277962.2, NM_001382568.1 and 1 more transcripts); c.847G>T, p.Val283Leu (NM_001382566.1, NM_001382573.1, NM_001382575.1 and 4 more transcripts); c.934G>T, p.Val312Leu (NM_001382569.1); c.841G>T, p.Val281Leu (NM_001382570.1); c.589G>T, p.Val197Leu (NM_001382571.1); c.580G>T, p.Val194Leu (NM_001382580.1, NM_001382581.1); short protein forms V197L, V281L, V357L, V283L, V194L, V312L.
Identifiers: ClinVar variation 1393134 (VCV001393134.6), dbSNP rs918568638, ClinGen allele CA379192590.

ClinVar aggregate classification (germline): Uncertain significance (1 of 4 stars; one submission).

Conditions:
Combined immunodeficiency due to STIM1 deficiency. Also called: STIM1 DEFICIENCY; IMMUNODEFICIENCY 10. Identifiers: Orphanet 169090, Orphanet 317430, MedGen C2748557, MONDO:0013008, OMIM 612783.
Stormorken syndrome (STRMK). Also called: THROMBOCYTOPATHY, ASPLENIA, AND MIOSIS. Identifiers: Orphanet 3204, MedGen C1861451, MONDO:0008497, OMIM 185070.
Myopathy with tubular aggregates (TAM). Also called: Tubular Aggregate Myopathy. Identifiers: Orphanet 2593, MedGen C0410207, MONDO:0008051.

Submission:

Labcorp Genetics (formerly Invitae), Labcorp
Classification: Uncertain significance for Myopathy with tubular aggregates; Combined immunodeficiency due to STIM1 deficiency; Stormorken syndrome. Last evaluated: 2025-07-14. Review status: criteria provided, single submitter. Criteria: Invitae Variant Classification Sherloc (09022015). Collection method: clinical testing. Allele origin: germline.
Comment: This sequence change replaces valine, which is neutral and non-polar, with leucine, which is neutral and non-polar, at codon 357 of the STIM1 protein (p.Val357Leu). This variant is not present in population databases (gnomAD no frequency). This variant has not been reported in the literature in individuals affected with STIM1-related conditions. ClinVar contains an entry for this variant (Variation ID: 1393134). Invitae Evidence Modeling of protein sequence and biophysical properties (such as structural, functional, and spatial information, amino acid conservation, physicochemical variation, residue mobility, and thermodynamic stability) has been performed for this missense variant. However, the output from this modeling did not meet the statistical confidence thresholds required to predict the impact of this variant on STIM1 protein function. In summary, the available evidence is currently insufficient to determine the role of this variant in disease. Therefore, it has been classified as a Variant of Uncertain Significance.